The following is an entry in ClinVar:

ClinVar aggregate classification (germline): Uncertain significance (1 of 4 stars; one submission).

Allele frequency attached by ClinVar (database versions not stated): gnomAD exomes 0.00001.
gnomAD v4.1: 8 of 1,613,322 alleles (0.0005%); highest among the groups gnomAD compares: South Asian, 0.0088%; no homozygotes.

Submission:

Labcorp Genetics (formerly Invitae), Labcorp
Classification: Uncertain significance. Last evaluated: 2022-05-19. Review status: criteria provided, single submitter. Criteria: Invitae Variant Classification Sherloc (09022015). Collection method: clinical testing. Allele origin: germline.
Comment: This variant is present in population databases (no rsID available, gnomAD 0.006%). This variant has not been reported in the literature in individuals affected with HMCN1-related conditions. Algorithms developed to predict the effect of missense changes on protein structure and function are either unavailable or do not agree on the potential impact of this missense change (SIFT: "Deleterious"; PolyPhen-2: "Benign"; Align-GVGD: "Class C15"). In summary, the available evidence is currently insufficient to determine the role of this variant in disease. Therefore, it has been classified as a Variant of Uncertain Significance. This sequence change replaces glycine, which is neutral and non-polar, with arginine, which is basic and polar, at codon 1643 of the HMCN1 protein (p.Gly1643Arg).

NM_031935.3(HMCN1):c.4927G>C (p.Gly1643Arg)

Gene: HMCN1 (hemicentin 1; plus strand). Cytogenetic location: 1q31.1.
Variant type: single nucleotide variant.
Coding change: c.4927G>C on transcript NM_031935.3 (MANE Select); coding-DNA position 4927, G replaced by C.
Protein change: p.Gly1643Arg; replaces glycine 1643 with arginine.
Molecular consequence: missense variant.
Genome position (GRCh38, 1-based): chr1:186,015,975, G>C. VCF-style: chr1-186015975-G-C. GRCh37 (hg19) VCF-style: chr1-185985107-G-C.
Other names: short protein forms G1643R.
Identifiers: ClinVar variation 1956398 (VCV001956398.5), dbSNP rs1192279083, ClinGen allele CA343887387.